The following is an entry in ClinVar:

NM_173500.4(TTBK2):c.177A>C (p.Gln59His)

Gene: TTBK2 (tau tubulin kinase 2; minus strand). Cytogenetic location: 15q15.2.
Variant type: single nucleotide variant.
Coding change: c.177A>C on transcript NM_173500.4 (MANE Select); coding-DNA position 177, A replaced by C.
Protein change: p.Gln59His; replaces glutamine 59 with histidine.
Molecular consequence: missense variant.
Genome position (GRCh38, 1-based): chr15:42,872,651, T>G on the plus strand (A>C on the coding strand, the complement: TTBK2 is on the minus strand). VCF-style: chr15-42872651-T-G. GRCh37 (hg19) VCF-style: chr15-43164849-T-G.
Other names: short protein forms Q59H.
Identifiers: ClinVar variation 4887315 (VCV004887315.1).

ClinVar aggregate classification (germline): Uncertain significance (1 of 4 stars; one submission).

Submission:

Women's Health and Genetics/Laboratory Corporation of America, LabCorp
Classification: Uncertain significance. Last evaluated: 2026-06-12. Review status: criteria provided, single submitter. Criteria: LabCorp Variant Classification Summary - May 2015. Collection method: clinical testing. Allele origin: germline.
Comment: Variant summary: TTBK2 c.177A>C (p.Gln59His) results in a non-conservative amino acid change in the encoded protein sequence. Algorithms developed to predict the effect of missense changes on protein structure and function are either unavailable or do not agree on the potential impact of this missense change. The variant was absent in 249544 control chromosomes. The available data on variant occurrences in the general population are insufficient to allow any conclusion about variant significance. To our knowledge, no occurrence of c.177A>C in individuals affected with TTBK2-related conditions and no experimental evidence demonstrating its impact on protein function have been reported. No submitters have cited clinical-significance assessments for this variant to ClinVar. Based on the evidence outlined above, the variant was classified as uncertain significance.